The following is an entry in ClinVar:

NM_001164277.2(SLC37A4):c.1025C>T (p.Ser342Leu)

Gene: SLC37A4 (solute carrier family 37 member 4; minus strand). Cytogenetic location: 11q23.3.
Variant type: single nucleotide variant.
Coding change: c.1025C>T on transcript NM_001164277.2 (MANE Select); coding-DNA position 1025, C replaced by T.
Protein change: p.Ser342Leu; replaces serine 342 with leucine.
Molecular consequence: missense variant.
Genome position (GRCh38, 1-based): chr11:119,025,289, G>A on the plus strand (C>T on the coding strand, the complement: SLC37A4 is on the minus strand). VCF-style: chr11-119025289-G-A. GRCh37 (hg19) VCF-style: chr11-118895999-G-A.
Other names: c.1091C>T, p.Ser364Leu (NM_001164278.2); c.806C>T, p.Ser269Leu (NM_001164279.2); c.1025C>T, p.Ser342Leu (NM_001164280.2, NM_001467.6); short protein forms S342L, S269L, S364L.
Identifiers: ClinVar variation 2182882 (VCV002182882.1), dbSNP rs371093860, ClinGen allele CA229596275.

ClinVar aggregate classification (germline): Uncertain significance (1 of 4 stars; one submission).

Conditions:
Glucose-6-phosphate transport defect (GSD1B). Also called: GSD Ib; Glycogen Storage Disease Type Ib. Identifiers: Orphanet 364, Orphanet 79259, MedGen C0268146, MONDO:0009288, OMIM 232220.

Allele frequency attached by ClinVar (database versions not stated): gnomAD 0.00001; TOPMed 0.00002; ESP Exome Variant Server 0.00008.

Submission:

Labcorp Genetics (formerly Invitae), Labcorp
Classification: Uncertain significance for Glucose-6-phosphate transport defect. Last evaluated: 2021-04-14. Review status: criteria provided, single submitter. Criteria: Invitae Variant Classification Sherloc (09022015). Collection method: clinical testing. Allele origin: germline.
Comment: This sequence change replaces serine with leucine at codon 342 of the SLC37A4 protein (p.Ser342Leu). The serine residue is highly conserved and there is a large physicochemical difference between serine and leucine. This variant is not present in population databases (ExAC no frequency). This variant has not been reported in the literature in individuals with SLC37A4-related conditions. Experimental studies and prediction algorithms are not available or were not evaluated, and the functional significance of this variant is currently unknown. In summary, the available evidence is currently insufficient to determine the role of this variant in disease. Therefore, it has been classified as a Variant of Uncertain Significance.